The following is an entry in ClinVar:

ClinVar aggregate classification (germline): Likely benign (1 of 4 stars; one submission).

Allele frequency attached by ClinVar (database versions not stated): 1000 Genomes Project 0.00200.
gnomAD v4.1: 262 of 819,386 alleles (0.032%); highest among the groups gnomAD compares: African/African-American, 0.15%; 1 homozygote.

Submission:

CeGaT Center for Human Genetics Tuebingen
Classification: Likely benign. Last evaluated: 2026-06-01. Review status: criteria provided, single submitter. Criteria: CeGaT Center For Human Genetics Tuebingen Variant Classification Criteria Version 2. Collection method: clinical testing. Allele origin: germline. Affected: yes. Observed: 4 variant alleles.
Comment: PRB4: BP4, BP7

NM_002723.6(PRB4):c.447T>A (p.Gly149=)

Gene: PRB4 (proline rich protein BstNI subfamily 4; minus strand). Cytogenetic location: 12p13.2.
Variant type: single nucleotide variant.
Coding change: c.447T>A on transcript NM_002723.6 (MANE Select); coding-DNA position 447, T replaced by A.
Protein change: p.Gly149=; no amino-acid change (glycine 149 retained).
Molecular consequence: synonymous variant. On other transcripts: intron variant (1).
Genome position (GRCh38, 1-based): chr12:11,308,536, A>T on the plus strand (T>A on the coding strand, the complement: PRB4 is on the minus strand). VCF-style: chr12-11308536-A-T. GRCh37 (hg19) VCF-style: chr12-11461470-A-T.
Other names: c.335-95T>A (NM_001261399.3).
Identifiers: ClinVar variation 2642716 (VCV002642716.24), dbSNP rs1052807, ClinGen allele CA232942414.
Genomic context (GRCh38, chr12:11,308,536, plus strand): 5'-TTCCTGTGGGGGTGGTCCTTCTGGCTTTCCTGGATGAGGTGGGGGACCTTGGGACTGGTT[A>T]CCTCCTTGTGGGGGTGGTCTTTCTGGCTTTCCTGGAGGAGGTGGGGGACGGTGGGACTGG-3'
Protein context (NP_002714.2, residues 139-159): GKPERPPPQG[Gly149=]NQSQGPPPHP